The following is an entry in ClinVar:

NM_006947.4(SRP72):c.952A>C (p.Asn318His)

Gene: SRP72 (signal recognition particle 72; plus strand). Cytogenetic location: 4q12.
Variant type: single nucleotide variant.
Coding change: c.952A>C on transcript NM_006947.4 (MANE Select); coding-DNA position 952, A replaced by C.
Protein change: p.Asn318His; replaces asparagine 318 with histidine.
Molecular consequence: missense variant. On other transcripts: non-coding transcript variant (1).
Genome position (GRCh38, 1-based): chr4:56,483,265, A>C. VCF-style: chr4-56483265-A-C. GRCh37 (hg19) VCF-style: chr4-57349431-A-C.
Other names: c.769A>C, p.Asn257His (NM_001267722.2); short protein forms N318H, N257H.
Identifiers: ClinVar variation 4841451 (VCV004841451.1).

ClinVar aggregate classification (germline): Uncertain significance (1 of 4 stars; one submission).

Submission:

Ambry Genetics
Classification: Uncertain significance. Last evaluated: 2025-12-22. Review status: criteria provided, single submitter. Criteria: Ambry Variant Classification Scheme 2023. Collection method: clinical testing. Allele origin: germline.
Comment: The p.N318H variant (also known as c.952A>C), located in coding exon 9 of the SRP72 gene, results from an A to C substitution at nucleotide position 952. The asparagine at codon 318 is replaced by histidine, an amino acid with similar properties. This amino acid position is conserved. In addition, the in silico prediction for this alteration is inconclusive. Based on the available evidence, the clinical significance of this variant remains unclear.